The following is an entry in ClinVar:

NM_000212.3(ITGB3):c.1289G>C (p.Arg430Pro)

Gene: ITGB3 (integrin subunit beta 3; plus strand). Cytogenetic location: 17q21.32.
Variant type: single nucleotide variant.
Coding change: c.1289G>C on transcript NM_000212.3 (MANE Select); coding-DNA position 1289, G replaced by C.
Protein change: p.Arg430Pro; replaces arginine 430 with proline.
Molecular consequence: missense variant.
Genome position (GRCh38, 1-based): chr17:47,292,167, G>C. VCF-style: chr17-47292167-G-C. GRCh37 (hg19) VCF-style: chr17-45369533-G-C.
Other names: short protein forms R430P.
Identifiers: ClinVar variation 2777947 (VCV002777947.3), dbSNP rs369970972, ClinGen allele CA400028596.
Genomic context (GRCh38, chr17:47,292,167, plus strand): 5'-TGTGTCTAAATACAATCTTTCTTTCCATCCAGGTGAGCTTCAGCATTGAGGCCAAGGTGC[G>C]AGGCTGTCCCCAGGAGAAGGAGAAGTCCTTTACCATAAAGCCCGTGGGCTTCAAGGACAG-3'
Protein context (NP_000203.2, residues 420-440): TVSFSIEAKV[Arg430Pro]GCPQEKEKSF

ClinVar aggregate classification (germline): Uncertain significance (1 of 4 stars; one submission).

Submission:

Labcorp Genetics (formerly Invitae), Labcorp
Classification: Uncertain significance. Last evaluated: 2023-06-16. Review status: criteria provided, single submitter. Criteria: Invitae Variant Classification Sherloc (09022015). Collection method: clinical testing. Allele origin: germline.
Comment: In summary, the available evidence is currently insufficient to determine the role of this variant in disease. Therefore, it has been classified as a Variant of Uncertain Significance. An algorithm developed to predict the effect of missense changes on protein structure and function (PolyPhen-2) suggests that this variant is likely to be disruptive. This variant has not been reported in the literature in individuals affected with ITGB3-related conditions. This variant is not present in population databases (gnomAD no frequency). This sequence change replaces arginine, which is basic and polar, with proline, which is neutral and non-polar, at codon 430 of the ITGB3 protein (p.Arg430Pro).